The following is an entry in ClinVar:

NM_000044.6(AR):c.304A>T (p.Arg102Ter)

Gene: AR (androgen receptor; plus strand). Cytogenetic location: Xq12.
Variant type: single nucleotide variant.
Coding change: c.304A>T on transcript NM_000044.6 (MANE Select); coding-DNA position 304, A replaced by T.
Protein change: p.Arg102Ter; replaces arginine 102 with a stop codon.
Molecular consequence: nonsense. On other transcripts: 5 prime UTR variant (1).
Genome position (GRCh38, 1-based): chrX:67,545,450, A>T. VCF-style: chrX-67545450-A-T. GRCh37 (hg19) VCF-style: chrX-66765292-A-T.
Other names: c.-1480A>T (NM_001011645.3); c.304A>T, p.Arg102Ter (NM_001348061.1, NM_001348063.1, NM_001348064.1); short protein forms R102*.
Identifiers: ClinVar variation 2001392 (VCV002001392.4), dbSNP rs2519601426, ClinGen allele CA413424266.

ClinVar aggregate classification (germline): Pathogenic (1 of 4 stars; one submission).

Conditions:
Androgen resistance syndrome (AIS). Also called: ANDROGEN RECEPTOR DEFICIENCY; DIHYDROTESTOSTERONE RECEPTOR DEFICIENCY; TESTICULAR FEMINIZATION SYNDROME; Androgen insensitivity syndrome due to coactivator deficiency; Androgen insensitivity syndrome; Androgen insensitivity. Identifiers: Orphanet 754, Orphanet 99429, MedGen C0039585, MONDO:0019154, OMIM 300068. Disease mechanism: loss of function.
Kennedy disease (SMAX1). Also called: SPINAL AND BULBAR MUSCULAR ATROPHY, X-LINKED 1; KENNEDY SPINAL AND BULBAR MUSCULAR ATROPHY; Spinal and Bulbar Muscular Atrophy. Identifiers: Orphanet 481, MedGen C1839259, MONDO:0010735, OMIM 313200.

Submission:

Labcorp Genetics (formerly Invitae), Labcorp
Classification: Pathogenic for Kennedy disease; Androgen resistance syndrome. Last evaluated: 2022-07-03. Review status: criteria provided, single submitter. Criteria: Invitae Variant Classification Sherloc (09022015). Collection method: clinical testing. Allele origin: germline.
Comment: For these reasons, this variant has been classified as Pathogenic. This variant has not been reported in the literature in individuals affected with AR-related conditions. This variant is not present in population databases (gnomAD no frequency). This sequence change creates a premature translational stop signal (p.Arg102*) in the AR gene. It is expected to result in an absent or disrupted protein product. Loss-of-function variants in AR are known to be pathogenic (PMID: 19463997).

Literature cited by the submitters: PubMed 19463997.